The following is an entry in ClinVar:

NM_015602.4(TOR1AIP1):c.139A>C (p.Thr47Pro)

Genes: TOR1AIP1 (torsin 1A interacting protein 1; plus strand), LOC112577517 (Sharpr-MPRA regulatory region 13766; plus strand). Cytogenetic location: 1q25.2.
Variant type: single nucleotide variant.
Coding change: c.139A>C on transcript NM_015602.4 (MANE Select); coding-DNA position 139, A replaced by C.
Protein change: p.Thr47Pro; replaces threonine 47 with proline.
Molecular consequence: missense variant.
Genome position (GRCh38, 1-based): chr1:179,882,641, A>C. VCF-style: chr1-179882641-A-C. GRCh37 (hg19) VCF-style: chr1-179851776-A-C.
Other names: c.139A>C, p.Thr47Pro (NM_001267578.2); short protein forms T47P.
Identifiers: ClinVar variation 1491171 (VCV001491171.8), dbSNP rs1553240716, ClinGen allele CA1268664.

ClinVar aggregate classification (germline): Uncertain significance (1 of 4 stars; one submission).

Conditions:
Autosomal recessive limb-girdle muscular dystrophy type 2Y (MRRSDC). Also called: Muscular dystrophy, limb-girdle, type 2y; Muscular dystrophy, autosomal recessive, with rigid spine and distal joint contractures. Identifiers: Orphanet 424261, MedGen C4511482, MONDO:0014900, OMIM 617072.

Allele frequency attached by ClinVar (database versions not stated): gnomAD exomes 0.00001; ExAC 0.00002.

Submission:

Labcorp Genetics (formerly Invitae), Labcorp
Classification: Uncertain significance for Autosomal recessive limb-girdle muscular dystrophy type 2Y. Last evaluated: 2021-02-09. Review status: criteria provided, single submitter. Criteria: Invitae Variant Classification Sherloc (09022015). Collection method: clinical testing. Allele origin: germline.
Comment: This sequence change replaces threonine with proline at codon 47 of the TOR1AIP1 protein (p.Thr47Pro). The threonine residue is weakly conserved and there is a small physicochemical difference between threonine and proline. This variant is present in population databases (no rsID available, ExAC 0.01%). This variant has not been reported in the literature in individuals with TOR1AIP1-related conditions. Algorithms developed to predict the effect of missense changes on protein structure and function are either unavailable or do not agree on the potential impact of this missense change (SIFT: "Deleterious"; PolyPhen-2: "Possibly Damaging"; Align-GVGD: "Class C0"). In summary, the available evidence is currently insufficient to determine the role of this variant in disease. Therefore, it has been classified as a Variant of Uncertain Significance.